The following is an entry in ClinVar:

ClinVar aggregate classification (germline): Pathogenic (1 of 4 stars; one submission).

Conditions:
Familial cancer of breast. Also called: Hereditary breast cancer; BREAST CANCER, FAMILIAL; hereditary breast carcinoma. Identifiers: Orphanet 227535, MedGen C0346153, MONDO:0016419, OMIM 114480. Disease mechanism: loss of function.

Submission:

Myriad Genetics, Inc.
Classification: Pathogenic for Familial cancer of breast. Last evaluated: 2024-12-04. Review status: criteria provided, single submitter. Criteria: Myriad Autosomal Dominant, Autosomal Recessive and X-Linked Classification Criteria (2023). Collection method: clinical testing. Allele origin: unknown.
Comment: This variant is considered pathogenic. This variant creates a frameshift predicted to result in premature protein truncation.

NM_032043.3(BRIP1):c.397_400del (p.Thr133fs)

Gene: BRIP1 (BRCA1 interacting DNA helicase 1; minus strand). Cytogenetic location: 17q23.2.
Variant type: Deletion.
Coding change: c.397_400del on transcript NM_032043.3 (MANE Select); coding-DNA positions 397 to 400, 4 bases deleted (ACTC; older notation c.397_400delACTC).
Protein change: p.Thr133fs; shifts the reading frame from threonine 133.
Molecular consequence: frameshift variant.
Genome position (GRCh38, 1-based): chr17:61,849,236-61,849,239, GAGT deleted on the plus strand (ACTC on the coding strand, the reverse complement: BRIP1 is on the minus strand); deleting any 4 consecutive bases within chr17:61,849,236-61,849,240 gives the same sequence; the c. name uses the placement nearest the transcript's 3' end. VCF-style (leftmost placement, unchanged base first): chr17-61849235-AGAGT-A. GRCh37 (hg19) VCF-style: chr17-59926596-AGAGT-A.
Other names: short protein forms T133fs.
Identifiers: ClinVar variation 3773159 (VCV003773159.1).